The following is an entry in ClinVar:

NM_000268.4(NF2):c.1027A>C (p.Lys343Gln)

Gene: NF2 (NF2, moesin-ezrin-radixin like (MERLIN) tumor suppressor; plus strand). Cytogenetic location: 22q12.2.
Variant type: single nucleotide variant.
Coding change: c.1027A>C on transcript NM_000268.4 (MANE Select); coding-DNA position 1027, A replaced by C.
Protein change: p.Lys343Gln; replaces lysine 343 with glutamine.
Molecular consequence: missense variant. On other transcripts: intron variant (1).
Genome position (GRCh38, 1-based): chr22:29,671,853, A>C. VCF-style: chr22-29671853-A-C. GRCh37 (hg19) VCF-style: chr22-30067842-A-C.
Other names: c.913A>C, p.Lys305Gln (NM_001407053.1, NM_001407056.1); c.904A>C, p.Lys302Gln (NM_001407054.1, NM_001407058.1, NM_181829.3); c.901A>C, p.Lys301Gln (NM_001407055.1, NM_181828.3); c.892A>C, p.Lys298Gln (NM_001407057.1, NM_001407059.1); c.1027A>C, p.Lys343Gln (NM_001407060.1, NM_001407066.1, NM_016418.5 and 2 more transcripts); c.769A>C, p.Lys257Gln (NM_001407062.1); c.778A>C, p.Lys260Gln (NM_001407063.1, NM_001407064.1, NM_181830.3 and 1 more transcripts); c.493A>C, p.Lys165Gln (NM_001407065.1); and 2 more; short protein forms K257Q, K266Q, K165Q, K298Q, K260Q, K301Q, K302Q, K305Q.
Identifiers: ClinVar variation 4119218 (VCV004119218.1).

ClinVar aggregate classification (germline): Uncertain significance (1 of 4 stars; one submission).

Conditions:
Hereditary cancer-predisposing syndrome. Also called: Hereditary neoplastic syndrome; Neoplastic Syndromes, Hereditary; Tumor predisposition; Hereditary Cancer Syndrome. Identifiers: Orphanet 140162, MedGen C0027672, MeSH D009386, MONDO:0015356.

Submission:

Ambry Genetics
Classification: Uncertain significance for Hereditary cancer-predisposing syndrome. Last evaluated: 2025-08-22. Review status: criteria provided, single submitter. Criteria: Ambry Variant Classification Scheme 2023. Collection method: clinical testing. Allele origin: germline.
Comment: The p.K343Q variant (also known as c.1027A>C), located in coding exon 11 of the NF2 gene, results from an A to C substitution at nucleotide position 1027. The lysine at codon 343 is replaced by glutamine, an amino acid with similar properties. This amino acid position is highly conserved in available vertebrate species. In addition, the in silico prediction for this alteration is inconclusive. Based on the available evidence, the clinical significance of this variant remains unclear.